The following is an entry in ClinVar:

NM_183357.3(ADCY5):c.3575G>A (p.Arg1192Gln)

Gene: ADCY5 (adenylate cyclase 5; minus strand). Cytogenetic location: 3q21.1.
Variant type: single nucleotide variant.
Coding change: c.3575G>A on transcript NM_183357.3 (MANE Select); coding-DNA position 3575, G replaced by A.
Protein change: p.Arg1192Gln; replaces arginine 1192 with glutamine.
Molecular consequence: missense variant.
Genome position (GRCh38, 1-based): chr3:123,286,767, C>T on the plus strand (G>A on the coding strand, the complement: ADCY5 is on the minus strand). VCF-style: chr3-123286767-C-T. GRCh37 (hg19) VCF-style: chr3-123005614-C-T.
Other names: c.2525G>A, p.Arg842Gln (NM_001199642.1); c.3650G>A, p.Arg1217Gln (NM_001378259.1); short protein forms R1192Q, R1217Q, R842Q.
Identifiers: ClinVar variation 1498323 (VCV001498323.6), dbSNP rs148824947, ClinGen allele CA2576734.

ClinVar aggregate classification (germline): Uncertain significance (1 of 4 stars; one submission).

Allele frequency attached by ClinVar (database versions not stated): ExAC 0.00001; gnomAD exomes 0.00001; gnomAD 0.00002 and 0.00003; TOPMed 0.00005; ESP Exome Variant Server 0.00008.
gnomAD v4.1: 19 of 1,613,096 alleles (0.0012%); highest among the groups gnomAD compares: African/African-American, 0.0027%; no homozygotes.

Submission:

Labcorp Genetics (formerly Invitae), Labcorp
Classification: Uncertain significance. Last evaluated: 2024-07-19. Review status: criteria provided, single submitter. Criteria: Invitae Variant Classification Sherloc (09022015). Collection method: clinical testing. Allele origin: germline.
Comment: This sequence change replaces arginine, which is basic and polar, with glutamine, which is neutral and polar, at codon 1192 of the ADCY5 protein (p.Arg1192Gln). This variant is present in population databases (rs148824947, gnomAD 0.002%). This variant has not been reported in the literature in individuals affected with ADCY5-related conditions. ClinVar contains an entry for this variant (Variation ID: 1498323). Advanced modeling of protein sequence and biophysical properties (such as structural, functional, and spatial information, amino acid conservation, physicochemical variation, residue mobility, and thermodynamic stability) has been performed at Invitae for this missense variant, however the output from this modeling did not meet the statistical confidence thresholds required to predict the impact of this variant on ADCY5 protein function. In summary, the available evidence is currently insufficient to determine the role of this variant in disease. Therefore, it has been classified as a Variant of Uncertain Significance.